The following is an entry in ClinVar:

ClinVar aggregate classification (germline): Uncertain significance. Review status: criteria provided, multiple submitters, no conflicts (2 of 4 stars). 2 submissions from 2 submitters: Uncertain significance (2). Last evaluated 2023-07-19.

Conditions:
Fanconi anemia (FA). Also called: Fanconi's anemia. Identifiers: Orphanet 84, MedGen C0015625, MeSH D005199, MONDO:0019391.

Allele frequency attached by ClinVar (database versions not stated): gnomAD exomes 0.00001; ExAC 0.00002.
gnomAD v4.1: 7 of 1,614,144 alleles (0.00043%); highest among the groups gnomAD compares: Admixed American, 0.0017%; no homozygotes.

Submissions (2):

Labcorp Genetics (formerly Invitae), Labcorp
Classification: Uncertain significance for Fanconi anemia. Last evaluated: 2023-07-19. Review status: criteria provided, single submitter. Criteria: Invitae Variant Classification Sherloc (09022015). Collection method: clinical testing. Allele origin: germline.
Comment: This variant has not been reported in the literature in individuals affected with FANCA-related conditions. ClinVar contains an entry for this variant (Variation ID: 1424279). Advanced modeling of protein sequence and biophysical properties (such as structural, functional, and spatial information, amino acid conservation, physicochemical variation, residue mobility, and thermodynamic stability) performed at Invitae indicates that this missense variant is not expected to disrupt FANCA protein function. In summary, the available evidence is currently insufficient to determine the role of this variant in disease. Therefore, it has been classified as a Variant of Uncertain Significance. This variant is present in population databases (rs766875357, gnomAD 0.006%). This sequence change replaces glutamic acid, which is acidic and polar, with lysine, which is basic and polar, at codon 1252 of the FANCA protein (p.Glu1252Lys).

CeGaT Center for Human Genetics Tuebingen
Classification: Uncertain significance. Last evaluated: 2022-02-01. Review status: criteria provided, single submitter. Criteria: CeGaT Center For Human Genetics Tuebingen Variant Classification Criteria Version 2. Collection method: clinical testing. Allele origin: germline. Affected: yes. Observed: 1 variant allele.

NM_000135.4(FANCA):c.3754G>A (p.Glu1252Lys)

Gene: FANCA (FA complementation group A; minus strand). Cytogenetic location: 16q24.3.
Variant type: single nucleotide variant.
Coding change: c.3754G>A on transcript NM_000135.4 (MANE Select); coding-DNA position 3754, G replaced by A.
Protein change: p.Glu1252Lys; replaces glutamic acid 1252 with lysine.
Molecular consequence: missense variant.
Genome position (GRCh38, 1-based): chr16:89,742,811, C>T on the plus strand (G>A on the coding strand, the complement: FANCA is on the minus strand). VCF-style: chr16-89742811-C-T. GRCh37 (hg19) VCF-style: chr16-89809219-C-T.
Other names: c.3754G>A, p.Glu1252Lys (NM_001286167.3); short protein forms E1252K.
Identifiers: ClinVar variation 1424279 (VCV001424279.37), dbSNP rs766875357, ClinGen allele CA8251001.